The following is an entry in ClinVar:

NM_001165963.4(SCN1A):c.2859A>G (p.Ile953Met)

Gene: SCN1A (sodium voltage-gated channel alpha subunit 1; minus strand). Cytogenetic location: 2q24.3.
Variant type: single nucleotide variant.
Coding change: c.2859A>G on transcript NM_001165963.4 (MANE Select); coding-DNA position 2859, A replaced by G.
Protein change: p.Ile953Met; replaces isoleucine 953 with methionine.
Molecular consequence: missense variant. On other transcripts: non-coding transcript variant (1).
Genome position (GRCh38, 1-based): chr2:166,037,863, T>C on the plus strand (A>G on the coding strand, the complement: SCN1A is on the minus strand). VCF-style: chr2-166037863-T-C. GRCh37 (hg19) VCF-style: chr2-166894373-T-C.
Other names: c.2775A>G, p.Ile925Met (NM_001165964.3, NM_001353958.2, NM_001353957.2); c.2772A>G, p.Ile924Met (NM_001353960.2); c.417A>G, p.Ile139Met (NM_001353961.2); c.2826A>G, p.Ile942Met (NM_006920.6, NM_001353949.2, NM_001353950.2 and 2 more transcripts); c.2859A>G, p.Ile953Met (NM_001202435.3, NM_001353948.2); c.2823A>G, p.Ile941Met (NM_001353954.2, NM_001353955.2); short protein forms I942M, I924M, I941M, I953M, I139M, I925M.
Identifiers: ClinVar variation 2764522 (VCV002764522.3), dbSNP rs2468096010, ClinGen allele CA349061124.

ClinVar aggregate classification (germline): Pathogenic (1 of 4 stars; one submission).

Conditions:
Early-infantile DEE. Also called: Ohtahara syndrome; Early infantile epileptic encephalopathy; Early infantile epileptic encephalopathy with suppression bursts. Identifiers: Orphanet 1934, MedGen C0393706, MONDO:0800491.

Submission:

Labcorp Genetics (formerly Invitae), Labcorp
Classification: Pathogenic for Early-infantile DEE. Last evaluated: 2023-11-08. Review status: criteria provided, single submitter. Criteria: Invitae Variant Classification Sherloc (09022015). Collection method: clinical testing. Allele origin: germline.
Comment: This sequence change replaces isoleucine, which is neutral and non-polar, with methionine, which is neutral and non-polar, at codon 953 of the SCN1A protein (p.Ile953Met). This variant is not present in population databases (gnomAD no frequency). This missense change has been observed in individual(s) with autosomal dominant SCN1A-related seizures (Invitae). In at least one individual the variant was observed to be de novo. Advanced modeling of protein sequence and biophysical properties (such as structural, functional, and spatial information, amino acid conservation, physicochemical variation, residue mobility, and thermodynamic stability) performed at Invitae indicates that this missense variant is expected to disrupt SCN1A protein function with a positive predictive value of 95%. For these reasons, this variant has been classified as Pathogenic.